The following is an entry in ClinVar:

NM_000088.4(COL1A1):c.2821G>T (p.Gly941Cys)

Gene: COL1A1 (collagen type I alpha 1 chain; minus strand). Cytogenetic location: 17q21.33.
Variant type: single nucleotide variant.
Coding change: c.2821G>T on transcript NM_000088.4 (MANE Select); coding-DNA position 2821, G replaced by T.
Protein change: p.Gly941Cys; replaces glycine 941 with cysteine.
Molecular consequence: missense variant.
Genome position (GRCh38, 1-based): chr17:50,189,385, C>A on the plus strand (G>T on the coding strand, the complement: COL1A1 is on the minus strand). VCF-style: chr17-50189385-C-A. GRCh37 (hg19) VCF-style: chr17-48266746-C-A.
Other names: short protein forms G941C.
Identifiers: ClinVar variation 3781315 (VCV003781315.2).
Genomic context (GRCh38, chr17:50,189,385, plus strand): 5'-CTCCCCAGCTCTGCACACCTCCGGAGCTGCAGAGATCTGAGCTGGCACTTACAGCAGGAC[C>A]ATCAGCACCAGGGGATCCTTTCTCGCCAGCAGGGCCAGGGGGACCAGGGGGACCAACTTC-3'
Protein context (NP_000079.2, residues 931-951): AGEKGSPGAD[Gly941Cys]PAGAPGTPGP

ClinVar aggregate classification (germline): Likely pathogenic. Review status: criteria provided, multiple submitters, no conflicts (2 of 4 stars). 2 submissions from 2 submitters: Likely pathogenic (2). Last evaluated 2025-04-14.

Conditions:
Osteogenesis imperfecta with normal sclerae, dominant form (OI4). Also called: Osteogenesis Imperfecta Type IV; OSTEOGENESIS IMPERFECTA, TYPE IV, WITH DENTINOGENESIS IMPERFECTA; OSTEOGENESIS IMPERFECTA WITH NORMAL SCLERAE; Osteogenesis imperfecta type 4; Common Variable Osteogenesis Imperfecta with Normal Sclerae. Identifiers: Orphanet 216820, Orphanet 666, MedGen C0268363, MONDO:0008148, OMIM 166220.
Hypermetabolism due to defect in mitochondria. Identifiers: MedGen C1855926, MONDO:0009391, OMIM 238800.

Submissions (2):

Clinical Biomedical Laboratory, Shriners Hospital For Children - Canada
Classification: Likely pathogenic for Osteogenesis imperfecta with normal sclerae, dominant form. Last evaluated: 2025-04-14. Review status: criteria provided, single submitter. Criteria: ACMG Guidelines, 2015. Collection method: clinical testing. Allele origin: germline. Affected: yes.
Comment: This variant is predicted to substitute a glycine residue by a cysteine residue in the triple helical domain of the collagen type I alpha 1 chain. Glycine substitutions in the triple helical domain of collagen type I cause disruption in the formation of the triple helix and are a typical cause of osteogenesis imperfecta. This variant is absent from general population databases (Genome Aggregation Database v4.1.0). Computational tools suggest that the change is detrimental to protein function (REVEL: 0.98).

AURAGEN, Plan France Médecine Génomique
Classification: Likely pathogenic for Hypermetabolism due to defect in mitochondria. Last evaluated: 2021-11-18. Review status: criteria provided, single submitter. Criteria: PFMG2025 (Lancet Reg Health Eur. 2025). Collection method: clinical testing. Allele origin: germline. Affected: yes.